The following is an entry in ClinVar:

ClinVar aggregate classification (germline): Uncertain significance. Review status: criteria provided, multiple submitters, no conflicts (2 of 4 stars). 2 submissions from 2 submitters: Uncertain significance (2). Last evaluated 2026-01-07.

Conditions:
NEUROD1-related disorder. Also called: NEUROD1-related condition.

Allele frequency attached by ClinVar (database versions not stated): ExAC 0.00002; gnomAD exomes 0.00002 and 0.00011; TOPMed 0.00002; gnomAD 0.00004.
gnomAD v4.1: 164 of 1,613,934 alleles (0.01%); highest among the groups gnomAD compares: Non-Finnish European, 0.013%; no homozygotes.

Submissions (2):

Labcorp Genetics (formerly Invitae), Labcorp
Classification: Uncertain significance. Last evaluated: 2026-01-07. Review status: criteria provided, single submitter. Criteria: Invitae Variant Classification Sherloc (09022015). Collection method: clinical testing. Allele origin: germline.
Comment: This sequence change replaces glutamic acid, which is acidic and polar, with aspartic acid, which is acidic and polar, at codon 13 of the NEUROD1 protein (p.Glu13Asp). This variant is present in population databases (rs756083393, gnomAD 0.006%). This variant has not been reported in the literature in individuals affected with NEUROD1-related conditions. ClinVar contains an entry for this variant (Variation ID: 1432681). Invitae Evidence Modeling of protein sequence and biophysical properties (such as structural, functional, and spatial information, amino acid conservation, physicochemical variation, residue mobility, and thermodynamic stability) indicates that this missense variant is not expected to disrupt NEUROD1 protein function with a negative predictive value of 80%. In summary, the available evidence is currently insufficient to determine the role of this variant in disease. Therefore, it has been classified as a Variant of Uncertain Significance.

PreventionGenetics, part of Exact Sciences
Classification: Uncertain significance for NEUROD1-related condition. Last evaluated: 2025-09-09. Review status: criteria provided, single submitter. Criteria: ACMG Guidelines, 2015. Collection method: clinical testing. Allele origin: germline.
Comment: The NEUROD1 c.39G>C variant is predicted to result in the amino acid substitution p.Glu13Asp. To our knowledge, this variant has not been reported in the literature. This variant is reported in 0.0054% of alleles in individuals of European (Non-Finnish) descent in gnomAD. At this time, the clinical significance of this variant is uncertain due to the absence of conclusive functional and genetic evidence.

NM_002500.5(NEUROD1):c.39G>C (p.Glu13Asp)

Gene: NEUROD1 (neuronal differentiation 1; minus strand). Cytogenetic location: 2q31.3.
Variant type: single nucleotide variant.
Coding change: c.39G>C on transcript NM_002500.5 (MANE Select); coding-DNA position 39, G replaced by C.
Protein change: p.Glu13Asp; replaces glutamic acid 13 with aspartic acid.
Molecular consequence: missense variant.
Genome position (GRCh38, 1-based): chr2:181,678,822, C>G on the plus strand (G>C on the coding strand, the complement: NEUROD1 is on the minus strand). VCF-style: chr2-181678822-C-G. GRCh37 (hg19) VCF-style: chr2-182543549-C-G.
Other names: c.39G>C (NM_002500.4); short protein forms E13D.
Identifiers: ClinVar variation 1432681 (VCV001432681.7), dbSNP rs756083393, ClinGen allele CA2011197.